The following is an entry in ClinVar:

ClinVar aggregate classification (germline): Uncertain significance (1 of 4 stars; one submission).

Conditions:
Spondyloepimetaphyseal dysplasia with joint laxity (SEMDJL). Identifiers: MedGen C0432243, MONDO:0019675.
Ehlers-Danlos syndrome, spondylodysplastic type, 2 (EDSSPD2). Also called: Ehlers-Danlos syndrome, progeroid type, 2. Identifiers: Orphanet 536467, Orphanet 75496, MedGen C3809210, MONDO:0014139, OMIM 615349.

Submission:

Labcorp Genetics (formerly Invitae), Labcorp
Classification: Uncertain significance for Ehlers-Danlos syndrome, spondylodysplastic type, 2; Spondyloepimetaphyseal dysplasia with joint laxity. Last evaluated: 2022-06-14. Review status: criteria provided, single submitter. Criteria: Invitae Variant Classification Sherloc (09022015). Collection method: clinical testing. Allele origin: germline.
Comment: In summary, the available evidence is currently insufficient to determine the role of this variant in disease. Therefore, it has been classified as a Variant of Uncertain Significance. Algorithms developed to predict the effect of missense changes on protein structure and function are either unavailable or do not agree on the potential impact of this missense change (SIFT: "Deleterious"; PolyPhen-2: "Probably Damaging"; Align-GVGD: "Class C0"). This variant has not been reported in the literature in individuals affected with B3GALT6-related conditions. This variant is not present in population databases (gnomAD no frequency). This sequence change replaces valine, which is neutral and non-polar, with methionine, which is neutral and non-polar, at codon 277 of the B3GALT6 protein (p.Val277Met).

NM_080605.4(B3GALT6):c.829G>A (p.Val277Met)

Gene: B3GALT6 (beta-1,3-galactosyltransferase 6; plus strand). Cytogenetic location: 1p36.33.
Variant type: single nucleotide variant.
Coding change: c.829G>A on transcript NM_080605.4 (MANE Select); coding-DNA position 829, G replaced by A.
Protein change: p.Val277Met; replaces valine 277 with methionine.
Molecular consequence: missense variant.
Genome position (GRCh38, 1-based): chr1:1,233,107, G>A. VCF-style: chr1-1233107-G-A. GRCh37 (hg19) VCF-style: chr1-1168487-G-A.
Other names: short protein forms V277M.
Identifiers: ClinVar variation 2006760 (VCV002006760.4), dbSNP rs1216124589, ClinGen allele CA337829864.